The following is an entry in ClinVar:

NM_001127671.2(LIFR):c.641_644dup (p.Phe217fs)

Gene: LIFR (LIF receptor subunit alpha; minus strand). Cytogenetic location: 5p13.1.
Variant type: Duplication.
Coding change: c.641_644dup on transcript NM_001127671.2 (MANE Select); coding-DNA positions 641 to 644, 4 bases duplicated (CCAT; older notation c.641_644dupCCAT).
Protein change: p.Phe217fs; shifts the reading frame from phenylalanine 217.
Molecular consequence: frameshift variant.
Genome position (GRCh38, 1-based): chr5:38,511,882-38,511,885, ATGG duplicated on the plus strand (CCAT on the coding strand, the reverse complement: LIFR is on the minus strand). VCF-style (leftmost placement, unchanged base first): chr5-38511881-A-AATGG. GRCh37 (hg19) VCF-style: chr5-38511983-A-AATGG.
Other names: c.641_644dup, p.Phe217fs (NM_001364297.2, NM_001364298.2, NM_002310.6); short protein forms F217fs.
Identifiers: ClinVar variation 3662561 (VCV003662561.2).
Genomic context (GRCh38, chr5:38,511,881, plus strand): 5'-CCACTCTTCGAGACCAGAAAAATGAAGATTGTCAATGTAGCATCTAATTTCCACAAAATG[A>AATGG]ATGGCACATTCCAAGGGCATATCTGAGGCCCAACTCCAGTGATGAAGTGTATCTTTGCCA-3'

ClinVar aggregate classification (germline): Pathogenic (1 of 4 stars; one submission).

Submission:

Labcorp Genetics (formerly Invitae), Labcorp
Classification: Pathogenic. Last evaluated: 2025-04-14. Review status: criteria provided, single submitter. Criteria: Invitae Variant Classification Sherloc (09022015). Collection method: clinical testing. Allele origin: germline.
Comment: This sequence change creates a premature translational stop signal (p.Phe217Serfs*6) in the LIFR gene. It is expected to result in an absent or disrupted protein product. Loss-of-function variants in LIFR are known to be pathogenic (PMID: 14740318). This variant is not present in population databases (gnomAD no frequency). This variant has not been reported in the literature in individuals affected with LIFR-related conditions. ClinVar contains an entry for this variant (Variation ID: 3662561). For these reasons, this variant has been classified as Pathogenic.

Literature cited by the submitters: PubMed 14740318.